The following is an entry in ClinVar:

NM_000071.3(CBS):c.954+1G>A

Gene: CBS (cystathionine beta-synthase; minus strand). Cytogenetic location: 21q22.3.
Variant type: single nucleotide variant.
Coding change: c.954+1G>A on transcript NM_000071.3 (MANE Select); the canonical splice donor site of the intron after coding-DNA position 954, G replaced by A.
Molecular consequence: splice donor variant.
Genome position (GRCh38, 1-based): chr21:43,062,952, C>T on the plus strand (G>A on the coding strand, the complement: CBS is on the minus strand). VCF-style: chr21-43062952-C-T. GRCh37 (hg19) VCF-style: chr21-44483062-C-T.
Other names: c.954+1G>A (NM_001320298.2, NM_001178009.3, NM_001178008.3); c.639+1G>A (NM_001321072.1).
Identifiers: ClinVar variation 371568 (VCV000371568.17), dbSNP rs1057517373, ClinGen allele CA16041999.
Genomic context (GRCh38, chr21:43,062,952, plus strand): 5'-CAGTGTGAGGGTGAGTTACAGGCTGCACCGGCACTGTGGCCGGGCTCTGGACTCGACCTA[C>T]CGTCCTGTCCAGCACCGTGGGGATGAAGTCGTAGCCGATCCCTTCCACCTCGTAGGTTGT-3'

ClinVar aggregate classification (germline): Pathogenic/Likely pathogenic. Review status: criteria provided, multiple submitters, no conflicts (2 of 4 stars). 6 submissions from 6 submitters: Pathogenic (4); Likely pathogenic (1). 1 of the submissions does not count toward it. Last evaluated 2026-03-13.

Conditions:
HYPERHOMOCYSTEINEMIA, THROMBOTIC, CBS-RELATED. Identifiers: MedGen C3150344, OMIM 236200.
Homocystinuria. Identifiers: MedGen C0019880, MONDO:0004737, HP:0002156.
Classic homocystinuria. Also called: Homocystinuria due to CBS deficiency; Cystathionine beta-synthase deficiency; CBS deficiency; HOMOCYSTINURIA WITH OR WITHOUT RESPONSE TO PYRIDOXINE; Homocystinuria due to Cystathionine Beta-Synthase Deficiency. Identifiers: Orphanet 394, MedGen C0751202, MONDO:0009352, OMIM 236200.
Familial thoracic aortic aneurysm and aortic dissection (TAAD). Also called: Thoracic aortic aneurysms and dissections. Identifiers: Orphanet 91387, MedGen C4707243, MONDO:0019625.

Submissions (6):

Ambry Genetics
Classification: Pathogenic for Familial thoracic aortic aneurysm and aortic dissection. Last evaluated: 2026-03-13. Review status: criteria provided, single submitter. Criteria: Ambry Variant Classification Scheme 2023. Collection method: clinical testing. Allele origin: germline.
Comment: The c.954+1G>A intronic pathogenic mutation results from a G to A substitution one nucleotide after coding exon 8 of the CBS gene. Variants that disrupt the canonical splice site are expected to result in aberrant splicing. In silico splice site analysis predicts that this alteration will weaken the native splice donor site and may result in the creation or strengthening of a novel splice donor site. A resulting transcript is predicted to be in-frame and is not expected to trigger nonsense-mediated mRNA decay; although, direct evidence is unavailable. However, the region predicted to be impacted is critical for protein function (Ambry internal data). This variant has been identified in the homozygous state and/or in conjunction with other CBS variant(s) in individual(s) with features consistent with homocystinuria (Kraus JP et al. Hum Mutat, 1999;13:362-75; Gaustadnes M et al. Hum Mutat, 2002 Aug;20:117-26; Maclean KN et al. Hum Mutat, 2002 Jun;19:641-55; S&oslash;rensen JT et al. Mol Genet Metab, 2016 Mar;117:344-50). This variant is considered to be rare based on population cohorts in the Genome Aggregation Database (gnomAD). This nucleotide position is highly conserved in available vertebrate species. Based on the supporting evidence, this variant is interpreted as a disease-causing mutation.

Natera, Inc.
Classification: Pathogenic for Homocystinuria due to cystathionine beta-synthase deficiency. Last evaluated: 2024-12-11. Review status: criteria provided, single submitter. Criteria: Natera Variant Classification Schema (03/2026). Collection method: clinical testing. Allele origin: germline.
Comment: The c.954+1G>A variant in CBS is a canonical splice donor site variant predicted to affect pre-mRNA splicing, which may result in an abnormal transcript and altered protein product. This variant is expected to result in nonsense mediated decay, truncation, or a dysfunctional protein product. This variant is rare in the general population with a frequency below the threshold expected for the associated phenotype(s). This variant has been observed in one or more individuals affected with the associated recessive disease, as either homozygous or compound heterozygous with a second variant (PMID: 26750749). Functional studies show that this variant may disrupt protein function (PMID: 12007221). Given the available evidence, this variant is classified as Pathogenic.

Baylor Genetics
Classification: Pathogenic for Classic homocystinuria. Last evaluated: 2022-07-09. Review status: criteria provided, single submitter. Criteria: ACMG Guidelines, 2015. Collection method: clinical testing. Allele origin: unknown.

Labcorp Genetics (formerly Invitae), Labcorp
Classification: Likely pathogenic for HYPERHOMOCYSTEINEMIA, THROMBOTIC, CBS-RELATED. Last evaluated: 2022-04-10. Review status: criteria provided, single submitter. Criteria: Invitae Variant Classification Sherloc (09022015). Collection method: clinical testing. Allele origin: germline.
Comment: In summary, the currently available evidence indicates that the variant is pathogenic, but additional data are needed to prove that conclusively. Therefore, this variant has been classified as Likely Pathogenic. Studies have shown that disruption of this splice site is associated with altered splicing resulting in an unknown protein product impact (PMID: 12007221). This sequence change affects a donor splice site in intron 10 of the CBS gene. It is expected to disrupt RNA splicing. Variants that disrupt the donor or acceptor splice site typically lead to a loss of protein function (PMID: 16199547), and loss-of-function variants in CBS are known to be pathogenic (PMID: 10338090, 12124992). This variant is not present in population databases (gnomAD no frequency). Disruption of this splice site has been observed in individual(s) with cystathionine beta-synthase deficiency (PMID: 12007221, 12124992). This variant is also known as IVS8+1G>A. ClinVar contains an entry for this variant (Variation ID: 371568).

Women's Health and Genetics/Laboratory Corporation of America, LabCorp
Classification: Pathogenic for Homocystinuria. Last evaluated: 2020-07-30. Review status: criteria provided, single submitter. Criteria: LabCorp Variant Classification Summary - May 2015. Collection method: clinical testing. Allele origin: germline.
Comment: Variant summary: CBS c.954+1G>A is located in a canonical splice-site and is predicted to affect mRNA splicing resulting in a significantly altered protein due to either exon skipping, shortening, or inclusion of intronic material. Several computational tools predict a significant impact on normal splicing: Four predict the variant abolishes a 5' splicing donor site. The variant was absent in 251124 control chromosomes (gnomAD). c.954+1G>A has been reported in the literature in individuals affected with Homocystinuria (e.g. Kraus_1999, Gaustadnes_2002). These data indicate that the variant is likely to be associated with disease. A ClinVar submitter (evaluation after 2014) cites the variant as pathogenic. Based on the evidence outlined above, the variant was classified as pathogenic.

Counsyl
Classification: Pathogenic for Classic homocystinuria. Last evaluated: 2016-10-19. Review status: no assertion criteria provided. Collection method: clinical testing. Allele origin: unknown. Not counted in ClinVar's aggregate classification.

Literature cited by the submitters: PubMed 10338090 (cited by 3 submitters); PubMed 12007221 (cited by 4 submitters); PubMed 12124992 (cited by 4 submitters); PubMed 26750749 (cited by Ambry Genetics and Natera, Inc.); PubMed 16199547 (cited by Labcorp Genetics (formerly Invitae), Labcorp).